The following is an entry in ClinVar:

NM_001388303.1(HECTD4):c.557A>G (p.Lys186Arg)

Gene: HECTD4 (HECT domain E3 ubiquitin protein ligase 4; minus strand). Cytogenetic location: 12q24.13.
Variant type: single nucleotide variant.
Coding change: c.557A>G on transcript NM_001388303.1 (MANE Select); coding-DNA position 557, A replaced by G.
Protein change: p.Lys186Arg; replaces lysine 186 with arginine.
Molecular consequence: missense variant.
Genome position (GRCh38, 1-based): chr12:112,319,363, T>C on the plus strand (A>G on the coding strand, the complement: HECTD4 is on the minus strand). VCF-style: chr12-112319363-T-C. GRCh37 (hg19) VCF-style: chr12-112757167-T-C.
Other names: c.557A>G, p.Lys186Arg (NM_001109662.4); short protein forms K186R.
Identifiers: ClinVar variation 4269786 (VCV004269786.2).

ClinVar aggregate classification (germline): Uncertain significance. Review status: criteria provided, multiple submitters, no conflicts (2 of 4 stars). 2 submissions from 2 submitters: Uncertain significance (2). Last evaluated 2025-09-04.

Conditions:
Neurodevelopmental disorder with seizures, spasticity, and complete or partial agenesis of the corpus callosum (NEDSSCC). Identifiers: MedGen C5830296, MONDO:0859516, OMIM 620250.

gnomAD v4.1: 1 of 1,536,014 alleles (0.000065%); highest among the groups gnomAD compares: Non-Finnish European, 0.000087%; no homozygotes.

Submissions (2):

Genetics Department, Catlab
Classification: Uncertain significance for Neurodevelopmental disorder with seizures, spasticity, and complete or partial agenesis of the corpus callosum. Last evaluated: 2025-09-04. Review status: criteria provided, single submitter. Criteria: ACMG Guidelines, 2015. Collection method: clinical testing. Allele origin: germline. Affected: yes. Observed: 1 variant allele.
Comment: The c.557A>G missense variant alters the protein at position 186, changing the lysine at that position to arginine. This change is extremely rare in gnomAD v4.1 (AF=6.510e-7) (PM2_moderate) and the missense z-score for the HECTD4 gene is 8.63 (PP2_supporting). With all the available evidence, the variant is classified as of uncertain significance.

Ambry Genetics
Classification: Uncertain significance. Last evaluated: 2025-06-24. Review status: criteria provided, single submitter. Criteria: Ambry Variant Classification Scheme 2023. Collection method: clinical testing. Allele origin: germline.